The following is an entry in ClinVar:

ClinVar aggregate classification (germline): Uncertain significance (1 of 4 stars; one submission).

Conditions:
Charcot-Marie-Tooth disease type 4. Also called: Charcot-Marie-Tooth, Type 4; Charcot-Marie-Tooth disease, type IV. Identifiers: Orphanet 64749, MedGen C4082197, MONDO:0018995.

Allele frequency attached by ClinVar (database versions not stated): gnomAD exomes below 0.00001; TOPMed 0.00001; gnomAD 0.00002.
gnomAD v4.1: 5 of 1,614,052 alleles (0.00031%); highest among the groups gnomAD compares: African/African-American, 0.0053%; no homozygotes.

Submission:

Labcorp Genetics (formerly Invitae), Labcorp
Classification: Uncertain significance for Charcot-Marie-Tooth disease type 4. Last evaluated: 2021-08-27. Review status: criteria provided, single submitter. Criteria: Invitae Variant Classification Sherloc (09022015). Collection method: clinical testing. Allele origin: germline.
Comment: This sequence change replaces histidine with arginine at codon 1228 of the SH3TC2 protein (p.His1228Arg). The histidine residue is highly conserved and there is a small physicochemical difference between histidine and arginine. This variant is not present in population databases (ExAC no frequency). This variant has not been reported in the literature in individuals affected with SH3TC2-related conditions. Advanced modeling of protein sequence and biophysical properties (such as structural, functional, and spatial information, amino acid conservation, physicochemical variation, residue mobility, and thermodynamic stability) performed at Invitae indicates that this missense variant is not expected to disrupt SH3TC2 protein function. In summary, the available evidence is currently insufficient to determine the role of this variant in disease. Therefore, it has been classified as a Variant of Uncertain Significance.

NM_024577.4(SH3TC2):c.3683A>G (p.His1228Arg)

Gene: SH3TC2 (SH3 domain and tetratricopeptide repeats 2; minus strand). Cytogenetic location: 5q32.
Variant type: single nucleotide variant.
Coding change: c.3683A>G on transcript NM_024577.4 (MANE Select); coding-DNA position 3683, A replaced by G.
Protein change: p.His1228Arg; replaces histidine 1228 with arginine.
Molecular consequence: missense variant.
Genome position (GRCh38, 1-based): chr5:149,004,895, T>C on the plus strand (A>G on the coding strand, the complement: SH3TC2 is on the minus strand). VCF-style: chr5-149004895-T-C. GRCh37 (hg19) VCF-style: chr5-148384458-T-C.
Other names: short protein forms H1228R.
Identifiers: ClinVar variation 1503981 (VCV001503981.5), dbSNP rs1163101801, ClinGen allele CA361663778.
Genomic context (GRCh38, chr5:149,004,895, plus strand): 5'-TCCTCATCACCCAGCAGGACCGCTGCTGCCAGGGCCAGAAGGAAGTACTCAGTGGCATCA[T>C]GGGCATCCTAACCCCGTGGTATGGGGGCAAAGAAGAGACAGCATTAGCAAACACTTCCAG-3'
Protein context (NP_078853.2, residues 1218-1238): RLTFCQLKDA[His1228Arg]DATEYFLLAL